The following is an entry in ClinVar:

NC_000023.10:g.(?_31341695)_(31341795_?)dup

Gene: DMD (dystrophin; minus strand). Cytogenetic location: Xp21.2.
Variant type: Duplication.
Identifiers: ClinVar variation 526144 (VCV000526144.1).

ClinVar aggregate classification (germline): Pathogenic (1 of 4 stars; one submission).

Conditions:
Duchenne muscular dystrophy (DMD). Also called: Duchenne Muscular Dystrophy (DMD); MUSCULAR DYSTROPHY, PSEUDOHYPERTROPHIC PROGRESSIVE, DUCHENNE TYPE. Identifiers: Orphanet 98896, MedGen C0013264, MONDO:0010679, OMIM 310200.

Submission:

Labcorp Genetics (formerly Invitae), Labcorp
Classification: Pathogenic for Duchenne muscular dystrophy. Last evaluated: 2017-09-08. Review status: criteria provided, single submitter. Criteria: Invitae Variant Classification Sherloc (09022015). Collection method: clinical testing. Allele origin: germline.
Comment: This variant is a gross duplication of the genomic region encompassing exon 62 of the DMD gene. While the exact position of the duplicated exons cannot be determined from this data, the duplicated copy of this region is likely in tandem and may result in an absent or disrupted protein product. This variant has been reported an individual affected with DMD-related muscular dystrophy (PMID: 19074751). It has also been reported in an affected individual in the Leiden Duchenne muscular dystrophy mutation database (PMID: 16770791). Sub-genic duplications are generally in tandem (PMID: 25640679), and result in an absent or disrupted protein. Loss-of-function variants in DMD are known to be pathogenic (PMID: 16770791, 25007885). For these reasons, this variant has been classified as Pathogenic.

Literature cited by the submitters: PubMed 16770791; PubMed 19074751.